The following is an entry in ClinVar:

NM_000136.3(FANCC):c.971A>G (p.Glu324Gly)

Genes: AOPEP (aminopeptidase O (putative); plus strand), FANCC (FA complementation group C; minus strand). Cytogenetic location: 9q22.32.
Variant type: single nucleotide variant.
Coding change: c.971A>G on transcript NM_000136.3 (MANE Select); coding-DNA position 971, A replaced by G.
Protein change: p.Glu324Gly; replaces glutamic acid 324 with glycine.
Molecular consequence: missense variant.
Genome position (GRCh38, 1-based): chr9:95,125,111, T>C on the plus strand (A>G on the coding strand, the complement: FANCC is on the minus strand). VCF-style: chr9-95125111-T-C. GRCh37 (hg19) VCF-style: chr9-97887393-T-C.
Other names: c.971A>G, p.Glu324Gly (NM_001243743.2, NM_001243744.2); short protein forms E324G.
Identifiers: ClinVar variation 4254369 (VCV004254369.1).
Genomic context (GRCh38, chr9:95,125,111, plus strand): 5'-TGGGATGAATGAGTAATATATGTGATATAACAAACCTGCTTGCTTGCTTTCTCCAGAGCT[T>C]CTACAAAGCACTGCGTAAACACCTGAATAGTGGCTATGATTTCCAGGGCCCCATCGGTTT-3'
Protein context (NP_000127.2, residues 314-334): TIQVFTQCFV[Glu324Gly]ALEKASKQLR

ClinVar aggregate classification (germline): Uncertain significance (1 of 4 stars; one submission).

Conditions:
Hereditary cancer-predisposing syndrome. Also called: Hereditary Cancer Syndrome; Hereditary neoplastic syndrome; Neoplastic Syndromes, Hereditary; Tumor predisposition. Identifiers: Orphanet 140162, MedGen C0027672, MeSH D009386, MONDO:0015356.

Submission:

Ambry Genetics
Classification: Uncertain significance for Hereditary cancer-predisposing syndrome. Last evaluated: 2025-07-28. Review status: criteria provided, single submitter. Criteria: Ambry Variant Classification Scheme 2023. Collection method: clinical testing. Allele origin: germline.
Comment: The p.E324G variant (also known as c.971A>G), located in coding exon 9 of the FANCC gene, results from an A to G substitution at nucleotide position 971. The glutamic acid at codon 324 is replaced by glycine, an amino acid with similar properties. This amino acid position is conserved. In addition, this alteration is predicted to be tolerated by in silico analysis. Based on the available evidence, the clinical significance of this variant remains unclear.